The following is an entry in ClinVar:

ClinVar aggregate classification (germline): Uncertain significance (1 of 4 stars; one submission).

Conditions:
Amelocerebrohypohidrotic syndrome (KTZS). Also called: EPILEPSY AND YELLOW TEETH; EPILEPSY, DEMENTIA, AND AMELOGENESIS IMPERFECTA; KOHLSCHUTTER SYNDROME; Kohlschutter's syndrome. Identifiers: Orphanet 1946, MedGen C0406740, MONDO:0009185, OMIM 226750.

Allele frequency attached by ClinVar (database versions not stated): gnomAD 0.00009; TOPMed 0.00013; ESP Exome Variant Server 0.00023.
gnomAD v4.1: 26 of 1,609,398 alleles (0.0016%); highest among the groups gnomAD compares: African/African-American, 0.032%; no homozygotes.

Submission:

Labcorp Genetics (formerly Invitae), Labcorp
Classification: Uncertain significance for Amelocerebrohypohidrotic syndrome. Last evaluated: 2024-10-22. Review status: criteria provided, single submitter. Criteria: Invitae Variant Classification Sherloc (09022015). Collection method: clinical testing. Allele origin: germline.
Comment: This sequence change replaces glycine, which is neutral and non-polar, with alanine, which is neutral and non-polar, at codon 73 of the ROGDI protein (p.Gly73Ala). This variant is present in population databases (rs201865380, gnomAD 0.03%). This variant has not been reported in the literature in individuals affected with ROGDI-related conditions. ClinVar contains an entry for this variant (Variation ID: 580233). An algorithm developed to predict the effect of missense changes on protein structure and function (PolyPhen-2) suggests that this variant¬†is likely to be tolerated. In summary, the available evidence is currently insufficient to determine the role of this variant in disease. Therefore, it has been classified as a Variant of Uncertain Significance.

NM_024589.3(ROGDI):c.218G>C (p.Gly73Ala)

Gene: ROGDI (rogdi atypical leucine zipper; minus strand). Cytogenetic location: 16p13.3.
Variant type: single nucleotide variant.
Coding change: c.218G>C on transcript NM_024589.3 (MANE Select); coding-DNA position 218, G replaced by C.
Protein change: p.Gly73Ala; replaces glycine 73 with alanine.
Molecular consequence: missense variant.
Genome position (GRCh38, 1-based): chr16:4,801,304, C>G on the plus strand (G>C on the coding strand, the complement: ROGDI is on the minus strand). VCF-style: chr16-4801304-C-G. GRCh37 (hg19) VCF-style: chr16-4851305-C-G.
Other names: short protein forms G73A.
Identifiers: ClinVar variation 580233 (VCV000580233.7), dbSNP rs201865380, ClinGen allele CA7882892.